The following is an entry in ClinVar:

ClinVar aggregate classification (germline): Uncertain significance (1 of 4 stars; one submission).

Allele frequency attached by ClinVar (database versions not stated): gnomAD exomes 0.00001.
gnomAD v4.1: 10 of 1,603,146 alleles (0.00062%); highest among the groups gnomAD compares: South Asian, 0.0067%; no homozygotes.

Submission:

GeneDx
Classification: Uncertain significance. Last evaluated: 2021-09-29. Review status: criteria provided, single submitter. Criteria: GeneDx Variant Classification Process June 2021. Collection method: clinical testing. Allele origin: germline. Affected: yes.
Comment: Has not been previously published as pathogenic or benign to our knowledge; Not observed at significant frequency in large population cohorts (gnomAD); In silico analysis supports that this missense variant has a deleterious effect on protein structure/function

NM_004387.4(NKX2-5):c.382G>C (p.Asp128His)

Gene: NKX2-5 (NK2 homeobox 5; minus strand). Cytogenetic location: 5q35.1.
Variant type: single nucleotide variant.
Coding change: c.382G>C on transcript NM_004387.4 (MANE Select); coding-DNA position 382, G replaced by C.
Protein change: p.Asp128His; replaces aspartic acid 128 with histidine.
Molecular consequence: missense variant. On other transcripts: 3 prime UTR variant (2).
Genome position (GRCh38, 1-based): chr5:173,233,162, C>G on the plus strand (G>C on the coding strand, the complement: NKX2-5 is on the minus strand). VCF-style: chr5-173233162-C-G. GRCh37 (hg19) VCF-style: chr5-172660165-C-G.
Other names: c.*335G>C (NM_001166175.2); c.*181G>C (NM_001166176.2); short protein forms D128H.
Identifiers: ClinVar variation 1675287 (VCV001675287.2), dbSNP rs779663474, ClinGen allele CA3563711.
Genomic context (GRCh38, chr5:173,233,162, plus strand): 5'-CCTGCGAGAAGAGCACGCGCGGCTTCCTCCGCCGTCGCGCCCGGGGCCGCTCCGCGTTGT[C>G]CGCCTCTGTCTTCTCCAGCTCCACCGCCTTCTGCAGCGCGCACAGCTCTGAGGGGGAACA-3'
Protein context (NP_004378.1, residues 118-138): KAVELEKTEA[Asp128His]NAERPRARRR